The following is an entry in ClinVar:

NM_000361.3(THBD):c.1510A>T (p.Thr504Ser)

Gene: THBD (thrombomodulin; minus strand). Cytogenetic location: 20p11.21.
Variant type: single nucleotide variant.
Coding change: c.1510A>T on transcript NM_000361.3 (MANE Select); coding-DNA position 1510, A replaced by T.
Protein change: p.Thr504Ser; replaces threonine 504 with serine.
Molecular consequence: missense variant.
Genome position (GRCh38, 1-based): chr20:23,047,995, T>A on the plus strand (A>T on the coding strand, the complement: THBD is on the minus strand). VCF-style: chr20-23047995-T-A. GRCh37 (hg19) VCF-style: chr20-23028632-T-A.
Other names: short protein forms T504S.
Identifiers: ClinVar variation 1412347 (VCV001412347.8), dbSNP rs1984620329, ClinGen allele CA408405377.

ClinVar aggregate classification (germline): Uncertain significance (1 of 4 stars; one submission).

Submission:

Labcorp Genetics (formerly Invitae), Labcorp
Classification: Uncertain significance. Last evaluated: 2021-03-01. Review status: criteria provided, single submitter. Criteria: Invitae Variant Classification Sherloc (09022015). Collection method: clinical testing. Allele origin: germline.
Comment: In summary, the available evidence is currently insufficient to determine the role of this variant in disease. Therefore, it has been classified as a Variant of Uncertain Significance. Algorithms developed to predict the effect of missense changes on protein structure and function output the following: SIFT: "Tolerated"; PolyPhen-2: "Benign"; Align-GVGD: "Class C0". The serine amino acid residue is found in multiple mammalian species, suggesting that this missense change does not adversely affect protein function. These predictions have not been confirmed by published functional studies and their clinical significance is uncertain. This variant has not been reported in the literature in individuals with THBD-related conditions. This variant is not present in population databases (ExAC no frequency). This sequence change replaces threonine with serine at codon 504 of the THBD protein (p.Thr504Ser). The threonine residue is weakly conserved and there is a small physicochemical difference between threonine and serine.